The following is an entry in ClinVar:

NM_024675.4(PALB2):c.212-17A>G

Gene: PALB2 (partner and localizer of BRCA2; minus strand). Cytogenetic location: 16p12.2.
Variant type: single nucleotide variant.
Coding change: c.212-17A>G on transcript NM_024675.4 (MANE Select); 17 bases into the intron before coding-DNA position 212, A replaced by G.
Molecular consequence: intron variant.
Genome position (GRCh38, 1-based): chr16:23,636,351, T>C on the plus strand (A>G on the coding strand, the complement: PALB2 is on the minus strand). VCF-style: chr16-23636351-T-C. GRCh37 (hg19) VCF-style: chr16-23647672-T-C.
Other names: c.-674-17A>G (NM_001407308.1, NM_001407306.1, NM_001407307.1 and 5 more transcripts); c.48+4759A>G (NM_001407314.1); c.-105+4759A>G (NM_001407313.1, NM_001407312.1); c.152-17A>G (NM_001407296.1); c.212-17A>G (NM_001407297.1, NM_001407302.1, NM_001407298.1 and 3 more transcripts).
Identifiers: ClinVar variation 3903697 (VCV003903697.1).

ClinVar aggregate classification (germline): Likely benign (1 of 4 stars; one submission).

Conditions:
Familial cancer of breast. Also called: Hereditary breast cancer; hereditary breast carcinoma; BREAST CANCER, FAMILIAL. Identifiers: Orphanet 227535, MedGen C0346153, MONDO:0016419, OMIM 114480. Disease mechanism: loss of function.

Submission:

Myriad Genetics, Inc.
Classification: Likely benign for Familial cancer of breast. Last evaluated: 2025-01-10. Review status: criteria provided, single submitter. Criteria: Myriad Autosomal Dominant, Autosomal Recessive and X-Linked Classification Criteria (2023). Collection method: clinical testing. Allele origin: unknown.
Comment: This variant is considered likely benign. This variant is intronic and is not expected to impact mRNA splicing.